The following is an entry in ClinVar:

ClinVar aggregate classification (germline): Uncertain significance (1 of 4 stars; one submission).

Conditions:
Hereditary cancer-predisposing syndrome. Also called: Tumor predisposition; Neoplastic Syndromes, Hereditary; Hereditary neoplastic syndrome; Hereditary Cancer Syndrome. Identifiers: Orphanet 140162, MedGen C0027672, MeSH D009386, MONDO:0015356.

Submission:

Ambry Genetics
Classification: Uncertain significance for Hereditary cancer-predisposing syndrome. Last evaluated: 2025-08-27. Review status: criteria provided, single submitter. Criteria: Ambry Variant Classification Scheme 2023. Collection method: clinical testing. Allele origin: germline.
Comment: The p.A385D variant (also known as c.1154C>A), located in coding exon 12 of the MUTYH gene, results from a C to A substitution at nucleotide position 1154. The alanine at codon 385 is replaced by aspartic acid, an amino acid with dissimilar properties. This amino acid position is conserved. In addition, this alteration is predicted to be tolerated by in silico analysis. Based on the available evidence, the clinical significance of this variant remains unclear.

NM_001048174.2(MUTYH):c.1070C>A (p.Ala357Asp)

Gene: MUTYH (mutY DNA glycosylase; minus strand). Cytogenetic location: 1p34.1.
Variant type: single nucleotide variant.
Coding change: c.1070C>A on transcript NM_001048174.2 (MANE Select); coding-DNA position 1070, C replaced by A.
Protein change: p.Ala357Asp; replaces alanine 357 with aspartic acid.
Molecular consequence: missense variant. On other transcripts: non-coding transcript variant (7).
Genome position (GRCh38, 1-based): chr1:45,331,693, G>T on the plus strand (C>A on the coding strand, the complement: MUTYH is on the minus strand). VCF-style: chr1-45331693-G-T. GRCh37 (hg19) VCF-style: chr1-45797365-G-T.
Other names: c.794C>A, p.Ala265Asp (NM_001293192.2, NM_001293196.2, NM_001407091.1); c.1154C>A, p.Ala385Asp (NM_001128425.2); c.1115C>A, p.Ala372Asp (NM_001293190.2); c.1103C>A, p.Ala368Asp (NM_001293191.2, NM_001407077.1, NM_001407069.1); c.1070C>A, p.Ala357Asp (NM_001407070.1, NM_001407072.1, NM_001407073.1 and 6 more transcripts); c.1073C>A, p.Ala358Asp (NM_001407071.1, NM_001407078.1, NM_001048172.2 and 1 more transcripts); c.986C>A, p.Ala329Asp (NM_001407075.1); c.1031C>A, p.Ala344Asp (NM_001407079.1); and 5 more; short protein forms A344D, A371D, A372D, A382D, A242D, A385D, A329D, A357D.
Identifiers: ClinVar variation 4113060 (VCV004113060.1).
Genomic context (GRCh38, chr1:45,331,693, plus strand): 5'-CTGCCCTCCACGCCCAGTATCCAGGTACCTGAGTTGGGCCTCTGCACCAGCAGAATTTGG[G>T]CCCCAAGGGCCCCAGGCTGTTCCAGAACACAGGTGGCAGAGCTCTCCTCCCTGGGGGGCT-3'
Protein context (NP_001041639.1, residues 347-367): CVLEQPGALG[Ala357Asp]QILLVQRPNS